The following is an entry in ClinVar:

ClinVar aggregate classification (germline): Uncertain significance. Review status: criteria provided, multiple submitters, no conflicts (2 of 4 stars). 2 submissions from 2 submitters: Uncertain significance (2). Last evaluated 2025-01-24.

Conditions:
Immunodeficiency 51 (IMD51). Also called: CANDIDIASIS, FAMILIAL, 5. Identifiers: Orphanet 1334, MedGen C4310803, MONDO:0013500, OMIM 613953.

Allele frequency attached by ClinVar (database versions not stated): gnomAD exomes 0.00002; ExAC 0.00006; gnomAD 0.00010; TOPMed 0.00013.
gnomAD v4.1: 25 of 1,611,110 alleles (0.0016%); highest among the groups gnomAD compares: African/African-American, 0.033%; no homozygotes.

Submissions (2):

Ambry Genetics
Classification: Uncertain significance. Last evaluated: 2025-01-24. Review status: criteria provided, single submitter. Criteria: Ambry Variant Classification Scheme 2023. Collection method: clinical testing. Allele origin: germline.

Labcorp Genetics (formerly Invitae), Labcorp
Classification: Uncertain significance for Immunodeficiency 51. Last evaluated: 2022-08-23. Review status: criteria provided, single submitter. Criteria: Invitae Variant Classification Sherloc (09022015). Collection method: clinical testing. Allele origin: germline.
Comment: This sequence change replaces leucine, which is neutral and non-polar, with phenylalanine, which is neutral and non-polar, at codon 719 of the IL17RA protein (p.Leu719Phe). This variant is present in population databases (rs752451165, gnomAD 0.06%). This variant has not been reported in the literature in individuals affected with IL17RA-related conditions. Algorithms developed to predict the effect of missense changes on protein structure and function are either unavailable or do not agree on the potential impact of this missense change (SIFT: "Deleterious"; PolyPhen-2: "Possibly Damaging"; Align-GVGD: "Class C0"). In summary, the available evidence is currently insufficient to determine the role of this variant in disease. Therefore, it has been classified as a Variant of Uncertain Significance.

NM_014339.7(IL17RA):c.2155C>T (p.Leu719Phe)

Gene: IL17RA (interleukin 17 receptor A; plus strand). Cytogenetic location: 22q11.1.
Variant type: single nucleotide variant.
Coding change: c.2155C>T on transcript NM_014339.7 (MANE Select); coding-DNA position 2155, C replaced by T.
Protein change: p.Leu719Phe; replaces leucine 719 with phenylalanine.
Molecular consequence: missense variant.
Genome position (GRCh38, 1-based): chr22:17,109,374, C>T. VCF-style: chr22-17109374-C-T. GRCh37 (hg19) VCF-style: chr22-17590264-C-T.
Other names: c.2053C>T, p.Leu685Phe (NM_001289905.2); c.2155C>T (NM_014339.5); short protein forms L685F, L719F.
Identifiers: ClinVar variation 2151360 (VCV002151360.2), dbSNP rs752451165, ClinGen allele CA10086921.